The following is an entry in ClinVar:

NM_001077350.3(NPRL3):c.610C>T (p.Leu204Phe)

Genes: HBA-LCR (alpha-globin locus control region; plus strand), NPRL3 (NPR3 like, GATOR1 complex subunit; minus strand). Cytogenetic location: 16p13.3.
Variant type: single nucleotide variant.
Coding change: c.610C>T on transcript NM_001077350.3 (MANE Select); coding-DNA position 610, C replaced by T.
Protein change: p.Leu204Phe; replaces leucine 204 with phenylalanine.
Molecular consequence: missense variant.
Genome position (GRCh38, 1-based): chr16:110,544, G>A on the plus strand (C>T on the coding strand, the complement: NPRL3 is on the minus strand). VCF-style: chr16-110544-G-A. GRCh37 (hg19) VCF-style: chr16-160542-G-A.
Other names: c.73C>T, p.Leu25Phe (NM_001039476.3); c.376C>T, p.Leu126Phe (NM_001243247.2); c.535C>T, p.Leu179Phe (NM_001243248.2, NM_001243249.2); short protein forms L179F, L25F, L204F, L126F.
Identifiers: ClinVar variation 2788230 (VCV002788230.3), dbSNP rs1490755071, ClinGen allele CA393992716.
Genomic context (GRCh38, chr16:110,544, plus strand): 5'-CCCATAAGAAGGAGGTTAATAAGCACACCCACCTGTCTTACCTGTCATAAGCTTCCTTGA[G>A]GTCCCTGGCCAGCTTGCACTTGGGCAGGATGTGATGGAATGGGGACTGAGGACCTTCATT-3'
Protein context (NP_001070818.1, residues 194-214): ILPKCKLARD[Leu204Phe]KEAYDSLCTS

ClinVar aggregate classification (germline): Uncertain significance (1 of 4 stars; one submission).

Conditions:
Epilepsy, familial focal, with variable foci 3 (FFEVF3). Identifiers: MedGen C4310708, MONDO:0014925, OMIM 617118.

Allele frequency attached by ClinVar (database versions not stated): gnomAD exomes below 0.00001; gnomAD 0.00001; TOPMed 0.00001.
gnomAD v4.1: 3 of 1,611,990 alleles (0.00019%); highest among the groups gnomAD compares: African/African-American, 0.004%; no homozygotes.

Submission:

Labcorp Genetics (formerly Invitae), Labcorp
Classification: Uncertain significance for Epilepsy, familial focal, with variable foci 3. Last evaluated: 2023-10-28. Review status: criteria provided, single submitter. Criteria: Invitae Variant Classification Sherloc (09022015). Collection method: clinical testing. Allele origin: germline.
Comment: This sequence change replaces leucine, which is neutral and non-polar, with phenylalanine, which is neutral and non-polar, at codon 204 of the NPRL3 protein (p.Leu204Phe). The frequency data for this variant in the population databases is considered unreliable, as metrics indicate poor data quality at this position in the gnomAD database. This variant has not been reported in the literature in individuals affected with NPRL3-related conditions. Advanced modeling of protein sequence and biophysical properties (such as structural, functional, and spatial information, amino acid conservation, physicochemical variation, residue mobility, and thermodynamic stability) performed at Invitae indicates that this missense variant is expected to disrupt NPRL3 protein function with a positive predictive value of 80%. In summary, the available evidence is currently insufficient to determine the role of this variant in disease. Therefore, it has been classified as a Variant of Uncertain Significance.